The following is an entry in ClinVar:

NM_001035.3(RYR2):c.14757-19A>G

Gene: RYR2 (ryanodine receptor 2; plus strand). Cytogenetic location: 1q43.
Variant type: single nucleotide variant.
Coding change: c.14757-19A>G on transcript NM_001035.3 (MANE Select); 19 bases into the intron before coding-DNA position 14757, A replaced by G.
Molecular consequence: intron variant.
Genome position (GRCh38, 1-based): chr1:237,831,495, A>G. VCF-style: chr1-237831495-A-G. GRCh37 (hg19) VCF-style: chr1-237994795-A-G.
Other names: c.14757-19A>G (LRG_402t1).
Identifiers: ClinVar variation 378494 (VCV000378494.18), dbSNP rs190533014, ClinGen allele CA085737.

ClinVar aggregate classification (germline): Benign/Likely benign. Review status: criteria provided, multiple submitters, no conflicts (2 of 4 stars). 9 submissions from 9 submitters: Benign (4); Likely benign (2). 3 of the submissions do not count toward it. Last evaluated 2026-02-01.

Conditions:
Catecholaminergic polymorphic ventricular tachycardia 1. Also called: RYR2-Related Catecholaminergic Polymorphic Ventricular Tachycardia; VENTRICULAR TACHYCARDIA, CATECHOLAMINERGIC POLYMORPHIC, 1, WITH OR WITHOUT ATRIAL DYSFUNCTION AND/OR DILATED CARDIOMYOPATHY; VENTRICULAR TACHYCARDIA, STRESS-INDUCED POLYMORPHIC 1. Identifiers: Orphanet 3286, MedGen C1631597, MONDO:0011484, OMIM 604772.
Arrhythmogenic right ventricular dysplasia 2. Identifiers: MedGen C1832931.
Ventricular arrhythmias due to cardiac ryanodine receptor calcium release deficiency syndrome. Also called: Autosomal dominant cardiac arrhythmia (Kuhn). Identifiers: MedGen C5542154, MONDO:0020745, OMIM 115000.

Allele frequency attached by ClinVar (database versions not stated): gnomAD 0.00026 and 0.00037; ExAC 0.00070; TOPMed 0.00075; 1000 Genomes Project 0.00359; 1000 Genomes Project 30x 0.00406.
gnomAD v4.1: 303 of 1,402,676 alleles (0.022%); highest among the groups gnomAD compares: East Asian, 0.5%; 1 homozygote.

Submissions (9):

Labcorp Genetics (formerly Invitae), Labcorp
Classification: Benign for Catecholaminergic polymorphic ventricular tachycardia 1. Last evaluated: 2026-02-01. Review status: criteria provided, single submitter. Criteria: Invitae Variant Classification Sherloc (09022015). Collection method: clinical testing. Allele origin: germline.

Blueprint Genetics
Classification: Likely benign. Last evaluated: 2024-11-04. Review status: criteria provided, single submitter. Criteria: ACMG Guidelines, 2015. Collection method: clinical testing. Allele origin: germline.

ARUP Laboratories, Molecular Genetics and Genomics, ARUP Laboratories
Classification: Benign. Last evaluated: 2024-02-16. Review status: criteria provided, single submitter. Criteria: ARUP Molecular Germline Variant Investigation Process 2024. Collection method: clinical testing. Allele origin: germline.

Fulgent Genetics
Classification: Likely benign for Ventricular arrhythmias due to cardiac ryanodine receptor calcium release deficiency syndrome; Catecholaminergic polymorphic ventricular tachycardia 1. Last evaluated: 2021-10-13. Review status: criteria provided, single submitter. Criteria: ACMG Guidelines, 2015. Collection method: clinical testing. Allele origin: unknown.

Women's Health and Genetics/Laboratory Corporation of America, LabCorp
Classification: Benign. Last evaluated: 2021-04-20. Review status: criteria provided, single submitter. Criteria: LabCorp Variant Classification Summary - May 2015. Collection method: clinical testing. Allele origin: germline.
Comment: Variant summary: RYR2 c.14757-19A>G alters a non-conserved nucleotide located close to a canonical splice site and therefore could affect mRNA splicing, leading to a significantly altered protein sequence. 4/4 computational tools predict no significant impact on normal splicing. However, these predictions have yet to be confirmed by functional studies. The variant allele was found at a frequency of 0.00063 in 240332 control chromosomes in the gnomAD database, including 1 homozygote. The observed variant frequency is approximately 18 fold of the estimated maximal expected allele frequency for a pathogenic variant in RYR2 causing Catecholaminergic Polymorphic Ventricular Tachycardia phenotype (3.4e-05), strongly suggesting that the variant is benign. To our knowledge, no occurrence of c.14757-19A>G in individuals affected with Catecholaminergic Polymorphic Ventricular Tachycardia and no experimental evidence demonstrating its impact on protein function have been reported. One clinical diagnostic laboratory has submitted clinical-significance assessments for this variant to ClinVar after 2014 without evidence for independent evaluation and classified the variant as benign. Based on the evidence outlined above, the variant was classified as benign.

GeneDx
Classification: Benign. Last evaluated: 2015-04-27. Review status: criteria provided, single submitter. Criteria: GeneDx Variant Classification (06012015). Collection method: clinical testing. Allele origin: germline. Affected: yes.
Comment: This variant is considered likely benign or benign based on one or more of the following criteria: it is a conservative change, it occurs at a poorly conserved position in the protein, it is predicted to be benign by multiple in silico algorithms, and/or has population frequency not consistent with disease.

Clinical Genetics DNA and cytogenetics Diagnostics Lab, Erasmus MC, Erasmus Medical Center
Classification: Likely benign. Review status: no assertion criteria provided. Collection method: clinical testing. Allele origin: germline. Affected: yes. Study: VKGL Data-share Consensus. Not counted in ClinVar's aggregate classification.

Clinical Genetics, Academic Medical Center
Classification: Benign. Review status: no assertion criteria provided. Collection method: clinical testing. Allele origin: germline. Affected: yes. Study: VKGL Data-share Consensus. Not counted in ClinVar's aggregate classification.

Genome Diagnostics Laboratory, University Medical Center Utrecht
Classification: Likely benign. Review status: no assertion criteria provided. Collection method: clinical testing. Allele origin: germline. Affected: yes. Study: VKGL Data-share Consensus. Not counted in ClinVar's aggregate classification.